The following is an entry in ClinVar:

NM_001197104.2(KMT2A):c.10673A>G (p.His3558Arg)

Gene: KMT2A (lysine methyltransferase 2A; plus strand). Cytogenetic location: 11q23.3.
Variant type: single nucleotide variant.
Coding change: c.10673A>G on transcript NM_001197104.2 (MANE Select); coding-DNA position 10673, A replaced by G.
Protein change: p.His3558Arg; replaces histidine 3558 with arginine.
Molecular consequence: missense variant.
Genome position (GRCh38, 1-based): chr11:118,506,565, A>G. VCF-style: chr11-118506565-A-G. GRCh37 (hg19) VCF-style: chr11-118377280-A-G.
Other names: c.10763A>G, p.His3588Arg (NM_001412597.1); c.10664A>G, p.His3555Arg (NM_005933.4); short protein forms H3555R, H3558R, H3588R.
Identifiers: ClinVar variation 2977067 (VCV002977067.3), dbSNP rs2497033350, ClinGen allele CA382826718.

ClinVar aggregate classification (germline): Uncertain significance (1 of 4 stars; one submission).

Allele frequency attached by ClinVar (database versions not stated): gnomAD exomes below 0.00001.
gnomAD v4.1: 2 of 1,614,176 alleles (0.00012%); highest among the groups gnomAD compares: Non-Finnish European, 0.00017%; no homozygotes.

Submission:

Labcorp Genetics (formerly Invitae), Labcorp
Classification: Uncertain significance. Last evaluated: 2025-03-18. Review status: criteria provided, single submitter. Criteria: Invitae Variant Classification Sherloc (09022015). Collection method: clinical testing. Allele origin: germline.
Comment: This sequence change replaces histidine, which is basic and polar, with arginine, which is basic and polar, at codon 3558 of the KMT2A protein (p.His3558Arg). This variant is not present in population databases (gnomAD no frequency). This variant has not been reported in the literature in individuals affected with KMT2A-related conditions. ClinVar contains an entry for this variant (Variation ID: 2977067). Invitae Evidence Modeling of protein sequence and biophysical properties (such as structural, functional, and spatial information, amino acid conservation, physicochemical variation, residue mobility, and thermodynamic stability) indicates that this missense variant is not expected to disrupt KMT2A protein function with a negative predictive value of 95%. In summary, the available evidence is currently insufficient to determine the role of this variant in disease. Therefore, it has been classified as a Variant of Uncertain Significance.